The following is an entry in ClinVar:

NM_006361.6(HOXB13):c.176C>T (p.Pro59Leu)

Gene: HOXB13 (homeobox B13; minus strand). Cytogenetic location: 17q21.32.
Variant type: single nucleotide variant.
Coding change: c.176C>T on transcript NM_006361.6 (MANE Select); coding-DNA position 176, C replaced by T.
Protein change: p.Pro59Leu; replaces proline 59 with leucine.
Molecular consequence: missense variant.
Genome position (GRCh38, 1-based): chr17:48,728,418, G>A on the plus strand (C>T on the coding strand, the complement: HOXB13 is on the minus strand). VCF-style: chr17-48728418-G-A. GRCh37 (hg19) VCF-style: chr17-46805780-G-A.
Other names: short protein forms P59L.
Identifiers: ClinVar variation 962998 (VCV000962998.9), dbSNP rs770620686, ClinGen allele CA8634052.
Genomic context (GRCh38, chr17:48,728,418, plus strand): 5'-GGCACGGGAGCTGGGGACGTCCCCTGGGGCACCCCAGGGCATGGGTGGCATTGCTTTGGC[G>A]GCTCCGCCGAGCCTGGCAGATCCAAGGGGGCATAGTTGACAGCAGGCATCAGCGTAGGCG-3'
Protein context (NP_006352.2, residues 49-69): APLDLPGSAE[Pro59Leu]PKQCHPCPGV

ClinVar aggregate classification (germline): Uncertain significance (1 of 4 stars; one submission).

Allele frequency attached by ClinVar (database versions not stated): ExAC 0.00001.

Submission:

Labcorp Genetics (formerly Invitae), Labcorp
Classification: Uncertain significance. Last evaluated: 2025-03-19. Review status: criteria provided, single submitter. Criteria: Invitae Variant Classification Sherloc (09022015). Collection method: clinical testing. Allele origin: germline.
Comment: This sequence change replaces proline, which is neutral and non-polar, with leucine, which is neutral and non-polar, at codon 59 of the HOXB13 protein (p.Pro59Leu). This variant is not present in population databases (gnomAD no frequency). This variant has not been reported in the literature in individuals affected with HOXB13-related conditions. ClinVar contains an entry for this variant (Variation ID: 962998). An algorithm developed to predict the effect of missense changes on protein structure and function (PolyPhen-2) suggests that this variant is likely to be disruptive. In summary, the available evidence is currently insufficient to determine the role of this variant in disease. Therefore, it has been classified as a Variant of Uncertain Significance.